The following is an entry in ClinVar:

ClinVar aggregate classification (germline): Uncertain significance (1 of 4 stars; one submission).

Submission:

GeneDx
Classification: Uncertain significance. Last evaluated: 2024-03-22. Review status: criteria provided, single submitter. Criteria: GeneDx Variant Classification Process June 2021. Collection method: clinical testing. Allele origin: germline. Affected: yes.
Comment: Not observed at significant frequency in large population cohorts (gnomAD); In silico analysis supports that this missense variant has a deleterious effect on protein structure/function; Has not been previously published as pathogenic or benign to our knowledge

NM_016120.4(RLIM):c.1795C>A (p.Arg599Ser)

Gene: RLIM (ring finger protein, LIM domain interacting; minus strand). Cytogenetic location: Xq13.2.
Variant type: single nucleotide variant.
Coding change: c.1795C>A on transcript NM_016120.4 (MANE Select); coding-DNA position 1795, C replaced by A.
Protein change: p.Arg599Ser; replaces arginine 599 with serine.
Molecular consequence: missense variant.
Genome position (GRCh38, 1-based): chrX:74,591,520, G>T on the plus strand (C>A on the coding strand, the complement: RLIM is on the minus strand). VCF-style: chrX-74591520-G-T. GRCh37 (hg19) VCF-style: chrX-73811355-G-T.
Other names: c.1795C>A, p.Arg599Ser (NM_183353.3); short protein forms R599S.
Identifiers: ClinVar variation 3371227 (VCV003371227.1).